The following is an entry in ClinVar:

ClinVar aggregate classification (germline): Uncertain significance (1 of 4 stars; one submission).

Conditions:
Optic atrophy 5 (OPA5). Identifiers: Orphanet 98673, MedGen C1853139, MONDO:0012543, OMIM 610708.
Encephalopathy, lethal, due to defective mitochondrial peroxisomal fission 1. Identifiers: Orphanet 330050, MedGen C3280660, MONDO:0013726, OMIM 614388.

Submission:

Laboratorio de Genetica e Diagnostico Molecular, Hospital Israelita Albert Einstein
Classification: Uncertain significance for Optic atrophy 5; Encephalopathy, lethal, due to defective mitochondrial peroxisomal fission 1. Last evaluated: 2022-02-22. Review status: criteria provided, single submitter. Criteria: ACMG Guidelines, 2015. Collection method: clinical testing. Allele origin: germline. Affected: yes.
Comment: ACMG classification criteria: PM2 moderate, PP2 supporting

NM_012062.5(DNM1L):c.1289G>A (p.Arg430His)

Gene: DNM1L (dynamin 1 like; plus strand). Cytogenetic location: 12p11.21.
Variant type: single nucleotide variant.
Coding change: c.1289G>A on transcript NM_012062.5 (MANE Select); coding-DNA position 1289, G replaced by A.
Protein change: p.Arg430His; replaces arginine 430 with histidine.
Molecular consequence: missense variant.
Genome position (GRCh38, 1-based): chr12:32,731,444, G>A. VCF-style: chr12-32731444-G-A. GRCh37 (hg19) VCF-style: chr12-32884378-G-A.
Other names: c.1289G>A, p.Arg430His (NM_001278463.2, NM_005690.5, NM_012063.4); c.1328G>A, p.Arg443His (NM_001278464.2, NM_001278465.2, NM_001330380.2); c.680G>A, p.Arg227His (NM_001278466.2); short protein forms R227H, R430H, R443H.
Identifiers: ClinVar variation 1683649 (VCV001683649.2), dbSNP rs2137523963, ClinGen allele CA384358623.